The following is an entry in ClinVar:

NM_032833.5(PPP1R15B):c.1008A>G (p.Pro336=)

Gene: PPP1R15B (protein phosphatase 1 regulatory subunit 15B; minus strand). Cytogenetic location: 1q32.1.
Variant type: single nucleotide variant.
Coding change: c.1008A>G on transcript NM_032833.5 (MANE Select); coding-DNA position 1008, A replaced by G.
Protein change: p.Pro336=; no amino-acid change (proline 336 retained).
Molecular consequence: synonymous variant.
Genome position (GRCh38, 1-based): chr1:204,410,404, T>C on the plus strand (A>G on the coding strand, the complement: PPP1R15B is on the minus strand). VCF-style: chr1-204410404-T-C. GRCh37 (hg19) VCF-style: chr1-204379532-T-C.
Other names: c.1008A>G (NM_032833.4).
Identifiers: ClinVar variation 2019736 (VCV002019736.6), dbSNP rs11799830, ClinGen allele CA1346703.

ClinVar aggregate classification (germline): Benign. Review status: criteria provided, single submitter (1 of 4 stars). 2 submissions from 2 submitters: Benign (1). 1 of the submissions does not count toward it. Last evaluated 2026-01-19.

Conditions:
PPP1R15B-related disorder. Also called: PPP1R15B-related condition.

Allele frequency attached by ClinVar (database versions not stated): ExAC 0.03026; gnomAD 0.02528; 1000 Genomes Project 0.02596; ESP Exome Variant Server 0.02714; gnomAD exomes 0.03100; 1000 Genomes Project 30x 0.02483; TOPMed 0.02490.
gnomAD v4.1: 49,281 of 1,614,206 alleles (3.1%); highest among the groups gnomAD compares: Middle Eastern, 4.5%; 943 homozygotes.

Submissions (2):

Labcorp Genetics (formerly Invitae), Labcorp
Classification: Benign. Last evaluated: 2026-01-19. Review status: criteria provided, single submitter. Criteria: Invitae Variant Classification Sherloc (09022015). Collection method: clinical testing. Allele origin: germline.

PreventionGenetics, part of Exact Sciences
Classification: Benign for PPP1R15B-related condition. Last evaluated: 2019-09-11. Review status: no assertion criteria provided. Collection method: clinical testing. Allele origin: germline. Not counted in ClinVar's aggregate classification.
Comment: This variant is classified as benign based on ACMG/AMP sequence variant interpretation guidelines (Richards et al. 2015 PMID: 25741868, with internal and published modifications).